The following is an entry in ClinVar:

ClinVar aggregate classification (germline): Uncertain significance (1 of 4 stars; one submission).

Conditions:
Hereditary spastic paraplegia 39 (SPG39). Also called: Spastic Paraplegia Type 39 (SPG39); SPASTIC PARAPLEGIA 39, AUTOSOMAL RECESSIVE. Identifiers: Orphanet 139480, MedGen C2677586, MONDO:0012787, OMIM 612020.

Allele frequency attached by ClinVar (database versions not stated): TOPMed below 0.00001.

Submission:

Labcorp Genetics (formerly Invitae), Labcorp
Classification: Uncertain significance for Hereditary spastic paraplegia 39. Last evaluated: 2021-04-07. Review status: criteria provided, single submitter. Criteria: Invitae Variant Classification Sherloc (09022015). Collection method: clinical testing. Allele origin: germline.
Comment: This sequence change replaces arginine with tryptophan at codon 657 of the PNPLA6 protein (p.Arg657Trp). The arginine residue is moderately conserved and there is a moderate physicochemical difference between arginine and tryptophan. In summary, the available evidence is currently insufficient to determine the role of this variant in disease. Therefore, it has been classified as a Variant of Uncertain Significance. Algorithms developed to predict the effect of missense changes on protein structure and function are either unavailable or do not agree on the potential impact of this missense change (SIFT: "Deleterious"; PolyPhen-2: "Possibly Damaging"; Align-GVGD: "Class C0"). This variant has not been reported in the literature in individuals with PNPLA6-related conditions. The frequency data for this variant in the population databases is considered unreliable, as metrics indicate insufficient coverage at this position in the ExAC database.

NM_001166114.2(PNPLA6):c.2086C>T (p.Arg696Trp)

Gene: PNPLA6 (patatin like domain 6, lysophospholipase; plus strand). Cytogenetic location: 19p13.2.
Variant type: single nucleotide variant.
Coding change: c.2086C>T on transcript NM_001166114.2 (MANE Select); coding-DNA position 2086, C replaced by T.
Protein change: p.Arg696Trp; replaces arginine 696 with tryptophan.
Molecular consequence: missense variant.
Genome position (GRCh38, 1-based): chr19:7,551,009, C>T. VCF-style: chr19-7551009-C-T. GRCh37 (hg19) VCF-style: chr19-7615895-C-T.
Other names: c.2113C>T, p.Arg705Trp (NM_001166111.2); c.1891C>T, p.Arg631Trp (NM_001166112.2); c.1969C>T, p.Arg657Trp (NM_001166113.1, NM_006702.5); short protein forms R705W, R631W, R657W, R696W.
Identifiers: ClinVar variation 1481547 (VCV001481547.8), dbSNP rs1252365178, ClinGen allele CA403124221.
Genomic context (GRCh38, chr19:7,551,009, plus strand): 5'-TCATTCCCCACCCAAGCAGCCCCAATCATGCACGCGGCCCCCCAGGTGGAGGCACTGACC[C>T]GGCAGCCGCGAGCCACGACGGTGCACGCGGTGCGCGACACGGAGCTGGCCAAGCTTCCCG-3'
Protein context (NP_001159586.1, residues 686-706): DLIGVVEALT[Arg696Trp]QPRATTVHAV